The following is an entry in ClinVar:

NM_173648.4(CCDC141):c.4486C>T (p.Leu1496Phe)

Gene: CCDC141 (coiled-coil domain containing 141; minus strand). Cytogenetic location: 2q31.2.
Variant type: single nucleotide variant.
Coding change: c.4486C>T on transcript NM_173648.4 (MANE Select); coding-DNA position 4486, C replaced by T.
Protein change: p.Leu1496Phe; replaces leucine 1496 with phenylalanine.
Molecular consequence: missense variant.
Genome position (GRCh38, 1-based): chr2:178,834,280, G>A on the plus strand (C>T on the coding strand, the complement: CCDC141 is on the minus strand). VCF-style: chr2-178834280-G-A. GRCh37 (hg19) VCF-style: chr2-179699007-G-A.
Other names: c.4486C>T (NM_173648.3); short protein forms L1496F.
Identifiers: ClinVar variation 2994760 (VCV002994760.4), dbSNP rs994534626, ClinGen allele CA61006780.

ClinVar aggregate classification (germline): Uncertain significance. Review status: criteria provided, multiple submitters, no conflicts (2 of 4 stars). 2 submissions from 2 submitters: Uncertain significance (2). Last evaluated 2025-09-27.

Conditions:
CCDC141-related disorder. Also called: CCDC141-related condition.

Allele frequency attached by ClinVar (database versions not stated): gnomAD exomes 0.00001.
gnomAD v4.1: 12 of 1,536,076 alleles (0.00078%); highest among the groups gnomAD compares: East Asian, 0.0024%; no homozygotes.

Submissions (2):

PreventionGenetics, part of Exact Sciences
Classification: Uncertain significance for CCDC141-related condition. Last evaluated: 2025-09-27. Review status: criteria provided, single submitter. Criteria: ACMG Guidelines, 2015. Collection method: clinical testing. Allele origin: germline.
Comment: The CCDC141 c.4486C>T variant is predicted to result in the amino acid substitution p.Leu1496Phe. To our knowledge, this variant has not been reported in the literature or in a large population database (gnomAD), indicating this variant is rare. At this time, the clinical significance of this variant is uncertain due to the absence of conclusive functional and genetic evidence.

Labcorp Genetics (formerly Invitae), Labcorp
Classification: Uncertain significance. Last evaluated: 2022-12-20. Review status: criteria provided, single submitter. Criteria: Invitae Variant Classification Sherloc (09022015). Collection method: clinical testing. Allele origin: germline.
Comment: In summary, the available evidence is currently insufficient to determine the role of this variant in disease. Therefore, it has been classified as a Variant of Uncertain Significance. Algorithms developed to predict the effect of missense changes on protein structure and function are either unavailable or do not agree on the potential impact of this missense change (SIFT: "Deleterious"; PolyPhen-2: "Probably Damaging"; Align-GVGD: "Class C0"). This variant has not been reported in the literature in individuals affected with CCDC141-related conditions. This variant is not present in population databases (gnomAD no frequency). This sequence change replaces leucine, which is neutral and non-polar, with phenylalanine, which is neutral and non-polar, at codon 1496 of the CCDC141 protein (p.Leu1496Phe).